The following is an entry in ClinVar:

ClinVar aggregate classification (germline): Uncertain significance (1 of 4 stars; one submission).

Submission:

Labcorp Genetics (formerly Invitae), Labcorp
Classification: Uncertain significance. Last evaluated: 2024-04-10. Review status: criteria provided, single submitter. Criteria: Invitae Variant Classification Sherloc (09022015). Collection method: clinical testing. Allele origin: germline.
Comment: This sequence change replaces proline, which is neutral and non-polar, with serine, which is neutral and polar, at codon 2332 of the KMT2A protein (p.Pro2332Ser). This variant is not present in population databases (gnomAD no frequency). This variant has not been reported in the literature in individuals affected with KMT2A-related conditions. Advanced modeling of protein sequence and biophysical properties (such as structural, functional, and spatial information, amino acid conservation, physicochemical variation, residue mobility, and thermodynamic stability) performed at Invitae indicates that this missense variant is not expected to disrupt KMT2A protein function with a negative predictive value of 95%. In summary, the available evidence is currently insufficient to determine the role of this variant in disease. Therefore, it has been classified as a Variant of Uncertain Significance.

NM_001197104.2(KMT2A):c.6994C>T (p.Pro2332Ser)

Gene: KMT2A (lysine methyltransferase 2A; plus strand). Cytogenetic location: 11q23.3.
Variant type: single nucleotide variant.
Coding change: c.6994C>T on transcript NM_001197104.2 (MANE Select); coding-DNA position 6994, C replaced by T.
Protein change: p.Pro2332Ser; replaces proline 2332 with serine.
Molecular consequence: missense variant.
Genome position (GRCh38, 1-based): chr11:118,502,886, C>T. VCF-style: chr11-118502886-C-T. GRCh37 (hg19) VCF-style: chr11-118373601-C-T.
Other names: c.7084C>T, p.Pro2362Ser (NM_001412597.1); c.6985C>T, p.Pro2329Ser (NM_005933.4); short protein forms P2329S, P2332S, P2362S.
Identifiers: ClinVar variation 3628748 (VCV003628748.2).